The following is an entry in ClinVar:

NM_175875.5(SIX5):c.1987C>T (p.Pro663Ser)

Gene: SIX5 (SIX homeobox 5; minus strand). Cytogenetic location: 19q13.32.
Variant type: single nucleotide variant.
Coding change: c.1987C>T on transcript NM_175875.5 (MANE Select); coding-DNA position 1987, C replaced by T.
Protein change: p.Pro663Ser; replaces proline 663 with serine.
Molecular consequence: missense variant.
Genome position (GRCh38, 1-based): chr19:45,765,734, G>A on the plus strand (C>T on the coding strand, the complement: SIX5 is on the minus strand). VCF-style: chr19-45765734-G-A. GRCh37 (hg19) VCF-style: chr19-46268992-G-A.
Other names: short protein forms P663S.
Identifiers: ClinVar variation 2635225 (VCV002635225.1), dbSNP rs1414994382, ClinGen allele CA406416405.
Genomic context (GRCh38, chr19:45,765,734, plus strand): 5'-TTTCCGCTTCCAGCAGCCCCTCTGTTCCTGCGCTTAGTTCCAGCCCTGCTGACCAGACAG[G>A]CACGGCCGCGGGTGACAACATCAGCCCCTCTGGTGGGGGCGCCGGGAAGTTGGGCAGGAG-3'
Protein context (NP_787071.3, residues 653-673): EGLMLSPAAV[Pro663Ser]VWSAGLELSA

ClinVar aggregate classification (germline): Uncertain significance (1 of 4 stars; one submission).

Conditions:
SIX5-related disorder. Also called: SIX5-related condition.

Submission:

PreventionGenetics, part of Exact Sciences
Classification: Uncertain significance for SIX5-related condition. Last evaluated: 2022-11-11. Review status: criteria provided, single submitter. Criteria: ACMG Guidelines, 2015. Collection method: clinical testing. Allele origin: germline.
Comment: The SIX5 c.1987C>T variant is predicted to result in the amino acid substitution p.Pro663Ser. To our knowledge, this variant has not been reported in the literature. This variant is reported in 0.0033% of alleles in individuals of South Asian descent in gnomAD. At this time, the clinical significance of this variant is uncertain due to the absence of conclusive functional and genetic evidence.